The following is an entry in ClinVar:

ClinVar aggregate classification (germline): Uncertain significance. Review status: criteria provided, multiple submitters, no conflicts (2 of 4 stars). 2 submissions from 2 submitters: Uncertain significance (2). Last evaluated 2025-08-11.

Conditions:
Combined immunodeficiency due to MALT1 deficiency. Also called: Immunodeficiency 12. Identifiers: Orphanet 397964, MedGen C3809583, MONDO:0014197, OMIM 615468.
Inborn genetic diseases. Identifiers: MedGen C0950123, MeSH D030342.

Allele frequency attached by ClinVar (database versions not stated): gnomAD exomes 0.00002 and 0.00008; ExAC 0.00007; ESP Exome Variant Server 0.00023; TOPMed 0.00031; gnomAD 0.00038 and 0.00041; 1000 Genomes Project 0.00040; 1000 Genomes Project 30x 0.00047.
gnomAD v4.1: 98 of 1,614,216 alleles (0.0061%); highest among the groups gnomAD compares: African/African-American, 0.088%; no homozygotes.

Submissions (2):

Ambry Genetics
Classification: Uncertain significance for Inborn genetic diseases. Last evaluated: 2025-08-11. Review status: criteria provided, single submitter. Criteria: Ambry Variant Classification Scheme 2023. Collection method: clinical testing. Allele origin: germline.

Labcorp Genetics (formerly Invitae), Labcorp
Classification: Uncertain significance for Combined immunodeficiency due to MALT1 deficiency. Last evaluated: 2025-01-13. Review status: criteria provided, single submitter. Criteria: Invitae Variant Classification Sherloc (09022015). Collection method: clinical testing. Allele origin: germline.
Comment: This sequence change replaces asparagine, which is neutral and polar, with aspartic acid, which is acidic and polar, at codon 734 of the MALT1 protein (p.Asn734Asp). This variant is present in population databases (rs372447468, gnomAD 0.1%). This variant has not been reported in the literature in individuals affected with MALT1-related conditions. ClinVar contains an entry for this variant (Variation ID: 837903). Invitae Evidence Modeling of protein sequence and biophysical properties (such as structural, functional, and spatial information, amino acid conservation, physicochemical variation, residue mobility, and thermodynamic stability) indicates that this missense variant is not expected to disrupt MALT1 protein function with a negative predictive value of 80%. In summary, the available evidence is currently insufficient to determine the role of this variant in disease. Therefore, it has been classified as a Variant of Uncertain Significance.

NM_006785.4(MALT1):c.2200A>G (p.Asn734Asp)

Gene: MALT1 (MALT1 paracaspase; plus strand). Cytogenetic location: 18q21.32.
Variant type: single nucleotide variant.
Coding change: c.2200A>G on transcript NM_006785.4 (MANE Select); coding-DNA position 2200, A replaced by G.
Protein change: p.Asn734Asp; replaces asparagine 734 with aspartic acid.
Molecular consequence: missense variant.
Genome position (GRCh38, 1-based): chr18:58,747,567, A>G. VCF-style: chr18-58747567-A-G. GRCh37 (hg19) VCF-style: chr18-56414799-A-G.
Other names: c.2200A>G (NM_006785.2); c.2167A>G, p.Asn723Asp (NM_173844.3); short protein forms N734D, N723D.
Identifiers: ClinVar variation 837903 (VCV000837903.10), dbSNP rs372447468, ClinGen allele CA8978075.